The following is an entry in ClinVar:

ClinVar aggregate classification (germline): Pathogenic. Review status: reviewed by expert panel (3 of 4 stars). 3 submissions from 3 submitters: Pathogenic (1). 2 of the submissions do not count toward it. Last evaluated 2016-09-08.

Conditions:
Hereditary cancer-predisposing syndrome. Also called: Tumor predisposition; Hereditary Cancer Syndrome; Neoplastic Syndromes, Hereditary; Hereditary neoplastic syndrome. Identifiers: Orphanet 140162, MedGen C0027672, MeSH D009386, MONDO:0015356.
Hereditary breast ovarian cancer syndrome. Also called: Hereditary breast and ovarian cancer; Breast and ovarian cancer; Hereditary breast and/or ovarian cancer syndrome; BRCA1- and BRCA2-Associated Hereditary Breast and Ovarian Cancer; Hereditary breast and ovarian cancer syndrome; Hereditary breast and ovarian cancer syndrome (HBOC). Identifiers: Orphanet 145, MedGen C0677776, MeSH D061325, MONDO:0003582. Disease mechanism: loss of function.
Breast-ovarian cancer, familial, susceptibility to, 2 (BROVCA2). Also called: BRCA2 Hereditary Breast and Ovarian Cancer. Identifiers: Orphanet 145, MedGen C2675520, MONDO:0012933, OMIM 612555. Disease mechanism: loss of function.

Allele frequency attached by ClinVar (database versions not stated): ExAC 0.00001; gnomAD exomes below 0.00001.
gnomAD v4.1: 1 of 1,614,050 alleles (0.000062%); highest among the groups gnomAD compares: Non-Finnish European, 0.000085%; no homozygotes.

Submissions (3):

Evidence-based Network for the Interpretation of Germline Mutant Alleles (ENIGMA)
Classification: Pathogenic for Breast-ovarian cancer, familial, susceptibility to, 2. Last evaluated: 2016-09-08. Review status: reviewed by expert panel. Criteria: ENIGMA BRCA1/2 Classification Criteria (2015). Collection method: curation. Allele origin: germline.
Comment: Variant allele predicted to encode a truncated non-functional protein.

Ambry Genetics
Classification: Pathogenic for Hereditary cancer-predisposing syndrome. Last evaluated: 2025-06-10. Review status: criteria provided, single submitter. Criteria: Ambry Variant Classification Scheme 2023. Collection method: clinical testing. Allele origin: germline. Not counted in ClinVar's aggregate classification.
Comment: The p.L1993* pathogenic mutation (also known as c.5978T>G), located in coding exon 10 of the BRCA2 gene, results from a T to G substitution at nucleotide position 5978. This changes the amino acid from a leucine to a stop codon within coding exon 10. This alteration is expected to result in loss of function by premature protein truncation or nonsense-mediated mRNA decay. As such, this alteration is interpreted as a disease-causing mutation.

Research Molecular Genetics Laboratory, Women's College Hospital, University of Toronto
Classification: Pathogenic for Hereditary breast ovarian cancer syndrome. Last evaluated: 2014-01-31. Review status: no assertion criteria provided. Collection method: research. Allele origin: germline. Affected: yes. Study: The Canadian Open Genetics Repository (COGR). Not counted in ClinVar's aggregate classification.

NM_000059.4(BRCA2):c.5978T>G (p.Leu1993Ter)

Gene: BRCA2 (BRCA2 DNA repair associated; plus strand). Cytogenetic location: 13q13.1.
Variant type: single nucleotide variant.
Coding change: c.5978T>G on transcript NM_000059.4 (MANE Select); coding-DNA position 5978, T replaced by G.
Protein change: p.Leu1993Ter; replaces leucine 1993 with a stop codon.
Molecular consequence: nonsense.
Genome position (GRCh38, 1-based): chr13:32,340,333, T>G. VCF-style: chr13-32340333-T-G. GRCh37 (hg19) VCF-style: chr13-32914470-T-G.
Other names: short protein forms L1993*.
Identifiers: ClinVar variation 254570 (VCV000254570.3), dbSNP rs768242833, ClinGen allele CA6940920.
Genomic context (GRCh38, chr13:32,340,333, plus strand): 5'-ATACTTGTGGGATTTTTAGCACAGCAAGTGGAAAATCTGTCCAGGTATCAGATGCTTCAT[T>G]ACAAAACGCAAGACAAGTGTTTTCTGAAATAGAAGATAGTACCAAGCAAGTCTTTTCCAA-3'